The following is an entry in ClinVar:

ClinVar aggregate classification (germline): Uncertain significance. Review status: criteria provided, multiple submitters, no conflicts (2 of 4 stars). 2 submissions from 2 submitters: Uncertain significance (2). Last evaluated 2024-05-02.

Conditions:
Combined immunodeficiency due to OX40 deficiency. Also called: OX40 DEFICIENCY; Immunodeficiency 16. Identifiers: Orphanet 431149, MedGen C3810053, MONDO:0014268, OMIM 615593.

gnomAD v4.1: 1 of 1,579,510 alleles (0.000063%); highest among the groups gnomAD compares: East Asian, 0.0023%; no homozygotes.

Submissions (2):

Ambry Genetics
Classification: Uncertain significance. Last evaluated: 2024-05-02. Review status: criteria provided, single submitter. Criteria: Ambry Variant Classification Scheme 2023. Collection method: clinical testing. Allele origin: germline.

Labcorp Genetics (formerly Invitae), Labcorp
Classification: Uncertain significance for Combined immunodeficiency due to OX40 deficiency. Last evaluated: 2021-06-03. Review status: criteria provided, single submitter. Criteria: Invitae Variant Classification Sherloc (09022015). Collection method: clinical testing. Allele origin: germline.
Comment: This variant is not present in population databases (ExAC no frequency). This variant has not been reported in the literature in individuals with TNFRSF4-related conditions. Algorithms developed to predict the effect of missense changes on protein structure and function are either unavailable or do not agree on the potential impact of this missense change (SIFT: "Tolerated"; PolyPhen-2: "Not Available"; Align-GVGD: "Class C0"). In summary, the available evidence is currently insufficient to determine the role of this variant in disease. Therefore, it has been classified as a Variant of Uncertain Significance. This sequence change replaces cysteine with tryptophan at codon 2 of the TNFRSF4 protein (p.Cys2Trp). The cysteine residue is weakly conserved and there is a large physicochemical difference between cysteine and tryptophan.

NM_003327.4(TNFRSF4):c.6C>G (p.Cys2Trp)

Gene: TNFRSF4 (TNF receptor superfamily member 4; minus strand). Cytogenetic location: 1p36.33.
Variant type: single nucleotide variant.
Coding change: c.6C>G on transcript NM_003327.4 (MANE Select); coding-DNA position 6, C replaced by G.
Protein change: p.Cys2Trp; replaces cysteine 2 with tryptophan.
Molecular consequence: missense variant.
Genome position (GRCh38, 1-based): chr1:1,214,122, G>C on the plus strand (C>G on the coding strand, the complement: TNFRSF4 is on the minus strand). VCF-style: chr1-1214122-G-C. GRCh37 (hg19) VCF-style: chr1-1149502-G-C.
Other names: c.6C>G (NM_003327.3); short protein forms C2W.
Identifiers: ClinVar variation 1367100 (VCV001367100.9), dbSNP rs202161001, ClinGen allele CA337803303.